The following is an entry in ClinVar:

ClinVar aggregate classification (germline): Uncertain significance (1 of 4 stars; one submission).

Conditions:
Ehlers-Danlos syndrome, type 4 (EDSVASC). Also called: Ehlers-Danlos syndrome vascular type; Ehlers Danlos syndrome, ecchymotic type; Ehlers Danlos syndrome, arterial type; Ehlers Danlos syndrome, Sack-Barabas type; Ehlers-Danlos Syndrome Type IV. Identifiers: Orphanet 286, MedGen C0268338, MONDO:0017314, OMIM 130050.

Submission:

Labcorp Genetics (formerly Invitae), Labcorp
Classification: Uncertain significance for Ehlers-Danlos syndrome, type 4. Last evaluated: 2022-06-22. Review status: criteria provided, single submitter. Criteria: Invitae Variant Classification Sherloc (09022015). Collection method: clinical testing. Allele origin: germline.
Comment: This sequence change replaces proline, which is neutral and non-polar, with serine, which is neutral and polar, at codon 746 of the COL3A1 protein (p.Pro746Ser). In summary, the available evidence is currently insufficient to determine the role of this variant in disease. Therefore, it has been classified as a Variant of Uncertain Significance. Advanced modeling of protein sequence and biophysical properties (such as structural, functional, and spatial information, amino acid conservation, physicochemical variation, residue mobility, and thermodynamic stability) performed at Invitae indicates that this missense variant is not expected to disrupt COL3A1 protein function. This missense change has been observed in individual(s) with Ehlers-Danlos syndrome (Invitae). It has also been observed to segregate with disease in related individuals. This variant is not present in population databases (gnomAD no frequency).

NM_000090.4(COL3A1):c.2236C>T (p.Pro746Ser)

Gene: COL3A1 (collagen type III alpha 1 chain; plus strand). Cytogenetic location: 2q32.2.
Variant type: single nucleotide variant.
Coding change: c.2236C>T on transcript NM_000090.4 (MANE Select); coding-DNA position 2236, C replaced by T.
Protein change: p.Pro746Ser; replaces proline 746 with serine.
Molecular consequence: missense variant.
Genome position (GRCh38, 1-based): chr2:188,999,848, C>T. VCF-style: chr2-188999848-C-T. GRCh37 (hg19) VCF-style: chr2-189864574-C-T.
Other names: short protein forms P746S.
Identifiers: ClinVar variation 1979918 (VCV001979918.4), dbSNP rs1688417443, ClinGen allele CA349841119.